The following is an entry in ClinVar:

NM_021830.5(TWNK):c.97C>T (p.Pro33Ser)

Gene: TWNK (twinkle mtDNA helicase; plus strand). Cytogenetic location: 10q24.31.
Variant type: single nucleotide variant.
Coding change: c.97C>T on transcript NM_021830.5 (MANE Select); coding-DNA position 97, C replaced by T.
Protein change: p.Pro33Ser; replaces proline 33 with serine.
Molecular consequence: missense variant. On other transcripts: non-coding transcript variant (4), intron variant (3).
Genome position (GRCh38, 1-based): chr10:100,988,307, C>T. VCF-style: chr10-100988307-C-T. GRCh37 (hg19) VCF-style: chr10-102748064-C-T.
Other names: c.97C>T, p.Pro33Ser (NM_001163812.2); c.-120+694C>T (NM_001163814.2, NM_001163813.2); c.-58+694C>T (NM_001368275.1); short protein forms P33S.
Identifiers: ClinVar variation 4702434 (VCV004702434.1).

ClinVar aggregate classification (germline): Uncertain significance (1 of 4 stars; one submission).

Submission:

Labcorp Genetics (formerly Invitae), Labcorp
Classification: Uncertain significance. Last evaluated: 2026-01-09. Review status: criteria provided, single submitter. Criteria: Invitae Variant Classification Sherloc (09022015). Collection method: clinical testing. Allele origin: germline.
Comment: This sequence change replaces proline, which is neutral and non-polar, with serine, which is neutral and polar, at codon 33 of the TWNK protein (p.Pro33Ser). This variant is present in population databases (no rsID available, gnomAD 0.0009%). This variant has not been reported in the literature in individuals affected with TWNK-related conditions. Invitae Evidence Modeling of protein sequence and biophysical properties (such as structural, functional, and spatial information, amino acid conservation, physicochemical variation, residue mobility, and thermodynamic stability) indicates that this missense variant is not expected to disrupt TWNK protein function with a negative predictive value of 95%. In summary, the available evidence is currently insufficient to determine the role of this variant in disease. Therefore, it has been classified as a Variant of Uncertain Significance.